The following is an entry in ClinVar:

ClinVar aggregate classification (germline): Uncertain significance (1 of 4 stars; one submission).

Conditions:
Neutral lipid storage myopathy (NLSDM). Also called: NEUTRAL LIPID STORAGE DISEASE WITHOUT ICHTHYOSIS. Identifiers: Orphanet 98908, MedGen C1853136, MONDO:0012545, OMIM 610717.

Allele frequency attached by ClinVar (database versions not stated): gnomAD exomes below 0.00001 and 0.00001; gnomAD 0.00001; TOPMed 0.00002.
gnomAD v4.1: 5 of 1,585,726 alleles (0.00032%); highest among the groups gnomAD compares: African/African-American, 0.0027%; no homozygotes.

Submission:

Labcorp Genetics (formerly Invitae), Labcorp
Classification: Uncertain significance for Neutral lipid storage myopathy. Last evaluated: 2020-02-19. Review status: criteria provided, single submitter. Criteria: Invitae Variant Classification Sherloc (09022015). Collection method: clinical testing. Allele origin: germline.
Comment: This variant has not been reported in the literature in individuals with PNPLA2-related conditions. This sequence change replaces asparagine with serine at codon 305 of the PNPLA2 protein (p.Asn305Ser). The asparagine residue is moderately conserved and there is a small physicochemical difference between asparagine and serine. This variant is not present in population databases (ExAC no frequency). Algorithms developed to predict the effect of missense changes on protein structure and function (SIFT, PolyPhen-2, Align-GVGD) all suggest that this variant is likely to be tolerated, but these predictions have not been confirmed by published functional studies and their clinical significance is uncertain. Algorithms developed to predict the effect of sequence changes on RNA splicing suggest that this variant may create or strengthen a splice site, but this prediction has not been confirmed by published transcriptional studies. In summary, the available evidence is currently insufficient to determine the role of this variant in disease. Therefore, it has been classified as a Variant of Uncertain Significance.

NM_020376.4(PNPLA2):c.914A>G (p.Asn305Ser)

Gene: PNPLA2 (patatin like domain 2, triacylglycerol lipase; plus strand). Cytogenetic location: 11p15.5.
Variant type: single nucleotide variant.
Coding change: c.914A>G on transcript NM_020376.4 (MANE Select); coding-DNA position 914, A replaced by G.
Protein change: p.Asn305Ser; replaces asparagine 305 with serine.
Molecular consequence: missense variant.
Genome position (GRCh38, 1-based): chr11:823,850, A>G. VCF-style: chr11-823850-A-G. GRCh37 (hg19) VCF-style: chr11-823850-A-G.
Other names: short protein forms N305S.
Identifiers: ClinVar variation 1020021 (VCV001020021.9), dbSNP rs1016887289, ClinGen allele CA216971091.